The following is an entry in ClinVar:

NM_005732.4(RAD50):c.1026A>G (p.Glu342=)

Gene: RAD50 (RAD50 double strand break repair protein; plus strand). Cytogenetic location: 5q31.1.
Variant type: single nucleotide variant.
Coding change: c.1026A>G on transcript NM_005732.4 (MANE Select); coding-DNA position 1026, A replaced by G.
Protein change: p.Glu342=; no amino-acid change (glutamic acid 342 retained).
Molecular consequence: synonymous variant.
Genome position (GRCh38, 1-based): chr5:132,588,064, A>G. VCF-style: chr5-132588064-A-G. GRCh37 (hg19) VCF-style: chr5-131923756-A-G.
Identifiers: ClinVar variation 184672 (VCV000184672.21), dbSNP rs140079790, ClinGen allele CA333855.

ClinVar aggregate classification (germline): Conflicting classifications of pathogenicity. Review status: criteria provided, conflicting classifications (1 of 4 stars). 5 submissions from 5 submitters: Uncertain significance (1); Likely benign (3). 1 of the submissions does not count toward it. Last evaluated 2025-11-10.

Conditions:
RAD50-related disorder. Also called: RAD50-related condition.
Hereditary cancer-predisposing syndrome. Also called: Hereditary neoplastic syndrome; Neoplastic Syndromes, Hereditary; Tumor predisposition; Hereditary Cancer Syndrome. Identifiers: Orphanet 140162, MedGen C0027672, MeSH D009386, MONDO:0015356.

Allele frequency attached by ClinVar (database versions not stated): ExAC 0.00002; gnomAD exomes 0.00002 and 0.00005; gnomAD 0.00005 and 0.00006; TOPMed 0.00007; ESP Exome Variant Server 0.00008.
gnomAD v4.1: 73 of 1,612,792 alleles (0.0045%); highest among the groups gnomAD compares: Non-Finnish European, 0.0058%; no homozygotes.

Submissions (5):

Labcorp Genetics (formerly Invitae), Labcorp
Classification: Likely benign for Hereditary cancer-predisposing syndrome. Last evaluated: 2025-11-10. Review status: criteria provided, single submitter. Criteria: Invitae Variant Classification Sherloc (09022015). Collection method: clinical testing. Allele origin: germline.

Quest Diagnostics Nichols Institute San Juan Capistrano
Classification: Uncertain significance. Last evaluated: 2025-04-09. Review status: criteria provided, single submitter. Criteria: Quest Diagnostics criteria. Collection method: clinical testing. Allele origin: unknown.
Comment: The RAD50 c.1026A>G (p.Glu342=) synonymous variant has not been reported in individuals with RAD50-related conditions in the published literature. The frequency of this variant in the general population (Genome Aggregation Database) is uninformative in the assessment of its pathogenicity. Analysis of this variant using software algorithms for the prediction of the effect of nucleotide changes on splicing yielded predictions that this variant does not affect RAD50 mRNA splicing. Based on the available information, we are unable to determine the clinical significance of this variant.

Women's Health and Genetics/Laboratory Corporation of America, LabCorp
Classification: Likely benign. Last evaluated: 2025-03-03. Review status: criteria provided, single submitter. Criteria: LabCorp Variant Classification Summary - May 2015. Collection method: clinical testing. Allele origin: germline.
Comment: Variant summary: RAD50 c.1026A>G alters a conserved nucleotide resulting in a synonymous change. Consensus agreement among computation tools predict no significant impact on normal splicing. However, these predictions have yet to be confirmed by functional studies. The variant allele was found at a frequency of 2e-05 in 250470 control chromosomes. The available data on variant occurrences in the general population are insufficient to allow any conclusion about variant significance. To our knowledge, no occurrence of c.1026A>G in individuals affected with Nijmegen Breakage Syndrome-Like Disorder and no experimental evidence demonstrating its impact on protein function have been reported. ClinVar contains an entry for this variant (Variation ID: 184672). Based on the evidence outlined above, the variant was classified as likely benign.

Ambry Genetics
Classification: Likely benign for Hereditary cancer-predisposing syndrome. Last evaluated: 2014-10-16. Review status: criteria provided, single submitter. Criteria: Ambry Variant Classification Scheme 2023. Collection method: clinical testing. Allele origin: germline.

PreventionGenetics, part of Exact Sciences
Classification: Likely benign for RAD50-related condition. Last evaluated: 2022-12-22. Review status: no assertion criteria provided. Collection method: clinical testing. Allele origin: germline. Not counted in ClinVar's aggregate classification.
Comment: This variant is classified as likely benign based on ACMG/AMP sequence variant interpretation guidelines (Richards et al. 2015 PMID: 25741868, with internal and published modifications).